The following is an entry in ClinVar:

NM_024422.6(DSC2):c.164A>T (p.Lys55Ile)

Gene: DSC2 (desmocollin 2; minus strand). Cytogenetic location: 18q12.1.
Variant type: single nucleotide variant.
Coding change: c.164A>T on transcript NM_024422.6 (MANE Select); coding-DNA position 164, A replaced by T.
Protein change: p.Lys55Ile; replaces lysine 55 with isoleucine.
Molecular consequence: missense variant.
Genome position (GRCh38, 1-based): chr18:31,092,291, T>A on the plus strand (A>T on the coding strand, the complement: DSC2 is on the minus strand). VCF-style: chr18-31092291-T-A. GRCh37 (hg19) VCF-style: chr18-28672254-T-A.
Other names: c.164A>T, p.Lys55Ile (NM_004949.5); short protein forms K55I.
Identifiers: ClinVar variation 1309001 (VCV001309001.3), dbSNP rs2144847063, ClinGen allele CA402114976.

ClinVar aggregate classification (germline): Uncertain significance (1 of 4 stars; one submission).

Submission:

GeneDx
Classification: Uncertain significance. Last evaluated: 2024-07-18. Review status: criteria provided, single submitter. Criteria: GeneDx Variant Classification Process June 2021. Collection method: clinical testing. Allele origin: germline. Affected: yes.
Comment: Not observed at significant frequency in large population cohorts (gnomAD); In silico analysis supports that this missense variant has a deleterious effect on protein structure/function; Has not been previously published as pathogenic or benign to our knowledge